The following is an entry in ClinVar:

NM_020433.5(JPH2):c.1951A>G (p.Lys651Glu)

Gene: JPH2 (junctophilin 2; minus strand). Cytogenetic location: 20q13.12.
Variant type: single nucleotide variant.
Coding change: c.1951A>G on transcript NM_020433.5 (MANE Select); coding-DNA position 1951, A replaced by G.
Protein change: p.Lys651Glu; replaces lysine 651 with glutamic acid.
Molecular consequence: missense variant.
Genome position (GRCh38, 1-based): chr20:44,115,724, T>C on the plus strand (A>G on the coding strand, the complement: JPH2 is on the minus strand). VCF-style: chr20-44115724-T-C. GRCh37 (hg19) VCF-style: chr20-42744364-T-C.
Other names: short protein forms K651E.
Identifiers: ClinVar variation 191668 (VCV000191668.8), dbSNP rs778410296, ClinGen allele CA237199.

ClinVar aggregate classification (germline): Uncertain significance. Review status: criteria provided, multiple submitters, no conflicts (2 of 4 stars). 3 submissions from 3 submitters: Uncertain significance (3). Last evaluated 2022-10-22.

Conditions:
Hypertrophic cardiomyopathy. Also called: HYPERTROPHIC MYOCARDIOPATHY. Identifiers: Orphanet 217569, MedGen C0007194, MeSH D002312, MONDO:0005045, HP:0001639.

Allele frequency attached by ClinVar (database versions not stated): ExAC 0.00001; gnomAD exomes 0.00002 and 0.00001; TOPMed 0.00002; gnomAD 0.00001 and 0.00002.
gnomAD v4.1: 8 of 1,613,476 alleles (0.0005%); highest among the groups gnomAD compares: Admixed American, 0.01%; no homozygotes.

Submissions (3):

Labcorp Genetics (formerly Invitae), Labcorp
Classification: Uncertain significance for Hypertrophic cardiomyopathy. Last evaluated: 2022-10-22. Review status: criteria provided, single submitter. Criteria: Invitae Variant Classification Sherloc (09022015). Collection method: clinical testing. Allele origin: germline.
Comment: In summary, the available evidence is currently insufficient to determine the role of this variant in disease. Therefore, it has been classified as a Variant of Uncertain Significance. Algorithms developed to predict the effect of missense changes on protein structure and function are either unavailable or do not agree on the potential impact of this missense change (SIFT: "Deleterious"; PolyPhen-2: "Benign"; Align-GVGD: "Class C0"). ClinVar contains an entry for this variant (Variation ID: 191668). This variant has not been reported in the literature in individuals affected with JPH2-related conditions. This variant is present in population databases (rs778410296, gnomAD 0.009%). This sequence change replaces lysine, which is basic and polar, with glutamic acid, which is acidic and polar, at codon 651 of the JPH2 protein (p.Lys651Glu).

Laboratory for Molecular Medicine, Mass General Brigham Personalized Medicine
Classification: Uncertain significance. Last evaluated: 2015-04-16. Review status: criteria provided, single submitter. Criteria: LMM Criteria. Collection method: clinical testing. Allele origin: germline. Observed: 1 variant allele.
Comment: The p.Lys651Glu variant in JPH2 has not been previously reported in individuals with cardiomyopathy, but been identified in 1/11412 Latino chromosomes by the Ex ome Aggregation Consortium (ExAC). Computational prediction tools and conservation analysis do not provide strong support for or against an impact to the protein. In summary, the clinical significance of the p.Lys651Glu variant is uncertain.

Biesecker Lab/Clinical Genomics Section, National Institutes of Health
Classification: Uncertain significance. Last evaluated: 2013-06-24. Review status: criteria provided, single submitter. Criteria: Ng et al. (Circ Cardiovasc Genet. 2013). Collection method: research. Allele origin: unknown. Observed: 1 variant allele. Study: ClinSeq.
Comment: The study set was not selected for affection status in relation to any cancer. Pathogenicity categories were based on literature curation. See Pubmed ID:23861362 for details.

Medical sequencing